The following is an entry in ClinVar:

ClinVar aggregate classification (germline): Pathogenic. Review status: criteria provided, multiple submitters, no conflicts (2 of 4 stars). 2 submissions from 2 submitters: Pathogenic (2). Last evaluated 2024-06-10.

Conditions:
Marfan syndrome (MFS). Also called: MARFAN SYNDROME, TYPE I; Marfan syndrome type 1; Marfan's syndrome; Marfan syndrome, classic; FBN1-Related Marfan Syndrome. Identifiers: Orphanet 284963, Orphanet 558, MedGen C0024796, MONDO:0007947, OMIM 154700.
Familial thoracic aortic aneurysm and aortic dissection (TAAD). Also called: Thoracic aortic aneurysms and dissections. Identifiers: Orphanet 91387, MedGen C4707243, MONDO:0019625.

Submissions (2):

ARUP Laboratories, Molecular Genetics and Genomics, ARUP Laboratories
Classification: Pathogenic. Last evaluated: 2024-06-10. Review status: criteria provided, single submitter. Criteria: ARUP Molecular Germline Variant Investigation Process 2024. Collection method: clinical testing. Allele origin: germline.
Comment: The FBN1 c.254G>A; p.Cys85Tyr variant (ClinVar Variation ID: 2925586) is reported in the literature in an individual with a clinical diagnosis of Marfan syndrome (Zhurayev 2016). This variant is absent from the Genome Aggregation Database (v2.1.1), indicating it is not a common polymorphism. This variant disrupts a conserved cystine residue in an EGF-like domain, and computational analyses predict that this variant is deleterious (REVEL: 0.875). Based on available information, this variant is considered to be pathogenic. References: Zhurayev R et al. Identification of FBN1 gene mutations in Ukrainian Marfan syndrome patients. Genet Res (Camb). 2016 Oct 11;98:e13 PMID: 27724990

Labcorp Genetics (formerly Invitae), Labcorp
Classification: Pathogenic for Marfan syndrome; Familial thoracic aortic aneurysm and aortic dissection. Last evaluated: 2024-04-16. Review status: criteria provided, single submitter. Criteria: Invitae Variant Classification Sherloc (09022015). Collection method: clinical testing. Allele origin: germline.
Comment: This sequence change replaces cysteine, which is neutral and slightly polar, with tyrosine, which is neutral and polar, at codon 85 of the FBN1 protein (p.Cys85Tyr). This variant is not present in population databases (gnomAD no frequency). This missense change has been observed in individuals with Marfan syndrome (PMID: 27724990; Invitae). Advanced modeling of protein sequence and biophysical properties (such as structural, functional, and spatial information, amino acid conservation, physicochemical variation, residue mobility, and thermodynamic stability) performed at Invitae indicates that this missense variant is expected to disrupt FBN1 protein function with a positive predictive value of 95%. This variant affects a cysteine residue in the EGF-like, TGFBP or hybrid motif domains of FBN1. Cysteine residues are believed to be involved in intramolecular disulfide bridges and have been shown to be important for FBN1 protein structure (PMID: 16905551, 19349279). In addition, missense substitutions affecting cysteine residues within these domains are significantly overrepresented among patients with Marfan syndrome (PMID: 16571647, 17701892). For these reasons, this variant has been classified as Pathogenic.

Literature cited by the submitters: PubMed 27724990 (cited by Labcorp Genetics (formerly Invitae), Labcorp); PubMed 16905551 (cited by Labcorp Genetics (formerly Invitae), Labcorp); PubMed 19349279 (cited by Labcorp Genetics (formerly Invitae), Labcorp); PubMed 16571647 (cited by Labcorp Genetics (formerly Invitae), Labcorp); PubMed 17701892 (cited by Labcorp Genetics (formerly Invitae), Labcorp).

NM_000138.5(FBN1):c.254G>A (p.Cys85Tyr)

Gene: FBN1 (fibrillin 1; minus strand). Cytogenetic location: 15q21.1.
Variant type: single nucleotide variant.
Coding change: c.254G>A on transcript NM_000138.5 (MANE Select); coding-DNA position 254, G replaced by A.
Protein change: p.Cys85Tyr; replaces cysteine 85 with tyrosine.
Molecular consequence: missense variant.
Genome position (GRCh38, 1-based): chr15:48,610,820, C>T on the plus strand (G>A on the coding strand, the complement: FBN1 is on the minus strand). VCF-style: chr15-48610820-C-T. GRCh37 (hg19) VCF-style: chr15-48903017-C-T.
Other names: c.254G>A, p.Cys85Tyr (NM_001406716.1, NM_001406717.1); short protein forms C85Y.
Identifiers: ClinVar variation 2925586 (VCV002925586.4), dbSNP rs2505775858, ClinGen allele CA392447177.